The following is an entry in ClinVar:

ClinVar aggregate classification (germline): Uncertain significance (1 of 4 stars; one submission).

Submission:

GeneDx
Classification: Uncertain significance. Last evaluated: 2023-11-14. Review status: criteria provided, single submitter. Criteria: GeneDx Variant Classification Process June 2021. Collection method: clinical testing. Allele origin: germline. Affected: yes.
Comment: Not observed at significant frequency in large population cohorts (gnomAD); In silico analysis supports that this missense variant has a deleterious effect on protein structure/function; Has not been previously published as pathogenic or benign to our knowledge

NM_007327.4(GRIN1):c.943T>G (p.Trp315Gly)

Gene: GRIN1 (glutamate ionotropic receptor NMDA type subunit 1; plus strand). Cytogenetic location: 9q34.3.
Variant type: single nucleotide variant.
Coding change: c.943T>G on transcript NM_007327.4 (MANE Select); coding-DNA position 943, T replaced by G.
Protein change: p.Trp315Gly; replaces tryptophan 315 with glycine.
Molecular consequence: missense variant.
Genome position (GRCh38, 1-based): chr9:137,157,012, T>G. VCF-style: chr9-137157012-T-G. GRCh37 (hg19) VCF-style: chr9-140051464-T-G.
Other names: c.943T>G, p.Trp315Gly (NM_000832.7, NM_021569.4); c.1006T>G, p.Trp336Gly (NM_001185090.2, NM_001185091.2); short protein forms W315G, W336G.
Identifiers: ClinVar variation 3363832 (VCV003363832.1).